The following is an entry in ClinVar:

NM_017780.4(CHD7):c.1510C>G (p.Gln504Glu)

Gene: CHD7 (chromodomain helicase DNA binding protein 7; plus strand). Cytogenetic location: 8q12.2.
Variant type: single nucleotide variant.
Coding change: c.1510C>G on transcript NM_017780.4 (MANE Select); coding-DNA position 1510, C replaced by G.
Protein change: p.Gln504Glu; replaces glutamine 504 with glutamic acid.
Molecular consequence: missense variant.
Genome position (GRCh38, 1-based): chr8:60,742,942, C>G. VCF-style: chr8-60742942-C-G. GRCh37 (hg19) VCF-style: chr8-61655501-C-G.
Other names: c.1510C>G, p.Gln504Glu (NM_001316690.1); short protein forms Q504E.
Identifiers: ClinVar variation 2699985 (VCV002699985.3), dbSNP rs2487283678, ClinGen allele CA371303263.

ClinVar aggregate classification (germline): Uncertain significance (1 of 4 stars; one submission).

Conditions:
CHARGE syndrome (CHARGE). Also called: Hittner Hirsch Kreh syndrome; CHARGE ASSOCIATION--COLOBOMA, HEART ANOMALY, CHOANAL ATRESIA, RETARDATION, GENITAL AND EAR ANOMALIES; Coloboma, heart anomaly, choanal atresia, retardation, genital and ear anomalies; CHARGE association; Hall-Hittner syndrome. Identifiers: Orphanet 138, MedGen C0265354, MONDO:0008965.

gnomAD v4.1: 1 of 1,613,216 alleles (0.000062%); highest among the groups gnomAD compares: Non-Finnish European, 0.000085%; no homozygotes.

Submission:

Labcorp Genetics (formerly Invitae), Labcorp
Classification: Uncertain significance for CHARGE syndrome. Last evaluated: 2023-12-02. Review status: criteria provided, single submitter. Criteria: Invitae Variant Classification Sherloc (09022015). Collection method: clinical testing. Allele origin: germline.
Comment: This sequence change replaces glutamine, which is neutral and polar, with glutamic acid, which is acidic and polar, at codon 504 of the CHD7 protein (p.Gln504Glu). This variant is not present in population databases (gnomAD no frequency). This variant has not been reported in the literature in individuals affected with CHD7-related conditions. Advanced modeling of protein sequence and biophysical properties (such as structural, functional, and spatial information, amino acid conservation, physicochemical variation, residue mobility, and thermodynamic stability) performed at Invitae indicates that this missense variant is not expected to disrupt CHD7 protein function with a negative predictive value of 95%. In summary, the available evidence is currently insufficient to determine the role of this variant in disease. Therefore, it has been classified as a Variant of Uncertain Significance.